The following is an entry in ClinVar:

ClinVar aggregate classification (germline): Uncertain significance. Review status: criteria provided, multiple submitters, no conflicts (2 of 4 stars). 3 submissions from 3 submitters: Uncertain significance (3). Last evaluated 2025-04-15.

Conditions:
Hereditary nonpolyposis colorectal neoplasms. Identifiers: MedGen C0009405, MeSH D003123.
Lynch syndrome 4 (LYNCH4). Also called: Colorectal cancer, hereditary nonpolyposis, type 4; Hereditary non-polyposis colorectal cancer, type 4. Identifiers: Orphanet 144, MedGen C1838333, MONDO:0013699, OMIM 614337. Disease mechanism: loss of function.
Hereditary cancer-predisposing syndrome. Also called: Neoplastic Syndromes, Hereditary; Tumor predisposition; Hereditary neoplastic syndrome; Hereditary Cancer Syndrome. Identifiers: Orphanet 140162, MedGen C0027672, MeSH D009386, MONDO:0015356.

Allele frequency attached by ClinVar (database versions not stated): gnomAD exomes below 0.00001; ExAC 0.00001; gnomAD 0.00001.

Submissions (3):

Ambry Genetics
Classification: Uncertain significance for Hereditary cancer-predisposing syndrome. Last evaluated: 2025-04-15. Review status: criteria provided, single submitter. Criteria: Ambry Variant Classification Scheme 2023. Collection method: clinical testing. Allele origin: germline.
Comment: The p.T217I variant (also known as c.650C>T), located in coding exon 6 of the PMS2 gene, results from a C to T substitution at nucleotide position 650. The threonine at codon 217 is replaced by isoleucine, an amino acid with similar properties. This amino acid position is highly conserved in available vertebrate species. In addition, this alteration is predicted to be deleterious by in silico analysis. Based on the available evidence, the clinical significance of this variant remains unclear.

Baylor Genetics
Classification: Uncertain significance for Lynch syndrome 4. Last evaluated: 2023-11-23. Review status: criteria provided, single submitter. Criteria: ACMG Guidelines, 2015. Collection method: clinical testing. Allele origin: unknown.

Labcorp Genetics (formerly Invitae), Labcorp
Classification: Uncertain significance for Hereditary nonpolyposis colorectal neoplasms. Last evaluated: 2020-06-29. Review status: criteria provided, single submitter. Criteria: Invitae Variant Classification Sherloc (09022015). Collection method: clinical testing. Allele origin: germline.
Comment: In summary, the available evidence is currently insufficient to determine the role of this variant in disease. Therefore, it has been classified as a Variant of Uncertain Significance. Algorithms developed to predict the effect of missense changes on protein structure and function are either unavailable or do not agree on the potential impact of this missense change (SIFT: "Deleterious"; PolyPhen-2: "Probably Damaging"; Align-GVGD: "Class C0"). This variant has not been reported in the literature in individuals with PMS2-related conditions. This variant is present in population databases (rs774519794, ExAC 0.001%). This sequence change replaces threonine with isoleucine at codon 217 of the PMS2 protein (p.Thr217Ile). The threonine residue is moderately conserved and there is a moderate physicochemical difference between threonine and isoleucine.

NM_000535.7(PMS2):c.650C>T (p.Thr217Ile)

Gene: PMS2 (PMS1 homolog 2, mismatch repair system component; minus strand). Cytogenetic location: 7p22.1.
Variant type: single nucleotide variant.
Coding change: c.650C>T on transcript NM_000535.7 (MANE Select); coding-DNA position 650, C replaced by T.
Protein change: p.Thr217Ile; replaces threonine 217 with isoleucine.
Molecular consequence: missense variant. On other transcripts: 5 prime UTR variant (2), non-coding transcript variant (1), intron variant (1).
Genome position (GRCh38, 1-based): chr7:5,999,163, G>A on the plus strand (C>T on the coding strand, the complement: PMS2 is on the minus strand). VCF-style: chr7-5999163-G-A. GRCh37 (hg19) VCF-style: chr7-6038794-G-A.
Other names: c.245C>T, p.Thr82Ile (NM_001322003.2, NM_001322004.2, NM_001322005.2 and 2 more transcripts); c.650C>T, p.Thr217Ile (NM_001322006.2, NM_001322014.2); c.332C>T, p.Thr111Ile (NM_001322007.2, NM_001322008.2); c.-284C>T (NM_001322011.2, NM_001322012.2); c.341C>T, p.Thr114Ile (NM_001322015.2); c.133-1740C>T (NM_001322013.2); short protein forms T114I, T111I, T217I, T82I.
Identifiers: ClinVar variation 826456 (VCV000826456.15), dbSNP rs774519794, ClinGen allele CA050761.
Genomic context (GRCh38, chr7:5,999,163, plus strand): 5'-ACTACCTGCTTCTGCCCAAACACAGAGCCGATATTTTCCTTTATGCTGGGGCTTCCACCT[G>A]TGCATACCACAGGCTGTCGTTTTCCTTGTCCAAGCTGATTGGTGCAACTTACACGGATGC-3'
Protein context (NP_000526.2, residues 207-227): GQGKRQPVVC[Thr217Ile]GGSPSIKENI